The following is an entry in ClinVar:

ClinVar aggregate classification (germline): Uncertain significance (1 of 4 stars; one submission).

Submission:

GeneDx
Classification: Uncertain significance. Last evaluated: 2026-03-23. Review status: criteria provided, single submitter. Criteria: GeneDx Variant Classification Process June 2021. Collection method: clinical testing. Allele origin: germline.
Comment: Not observed at significant frequency in large population cohorts (gnomAD); In silico analysis supports that this missense variant has a deleterious effect on protein structure/function; Has not been previously published as pathogenic or benign to our knowledge

NM_000540.3(RYR1):c.11195G>A (p.Ser3732Asn)

Gene: RYR1 (ryanodine receptor 1; plus strand). Cytogenetic location: 19q13.2.
Variant type: single nucleotide variant.
Coding change: c.11195G>A on transcript NM_000540.3 (MANE Select); coding-DNA position 11195, G replaced by A.
Protein change: p.Ser3732Asn; replaces serine 3732 with asparagine.
Molecular consequence: missense variant.
Genome position (GRCh38, 1-based): chr19:38,532,672, G>A. VCF-style: chr19-38532672-G-A. GRCh37 (hg19) VCF-style: chr19-39023312-G-A.
Other names: c.11180G>A, p.Ser3727Asn (NM_001042723.2); short protein forms S3727N, S3732N.
Identifiers: ClinVar variation 5017363 (VCV005017363.1).
Genomic context (GRCh38, chr19:38,532,672, plus strand): 5'-GCTGGGGCGGGATGGAGGGGTCTGCTTTGTTCATCCCTTAACTGATGCCCCCTCCCCAGA[G>A]CTGCCACCTGGAGGAGGGAGGGGAGAACGGTGAAGCTGAAGAGGAGGTTGAGGTCTCCTT-3'
Protein context (NP_000531.2, residues 3722-3742): YMAYADIMAK[Ser3732Asn]CHLEEGGENG